The following is an entry in ClinVar:

ClinVar aggregate classification (germline): Likely benign. Review status: criteria provided, multiple submitters, no conflicts (2 of 4 stars). 2 submissions from 2 submitters: Likely benign (2). Last evaluated 2026-01-20.

Conditions:
GM1 gangliosidosis. Identifiers: Orphanet 354, MedGen C0085131, MONDO:0018149.
Mucopolysaccharidosis, MPS-IV-B (MPS4B). Also called: Mucopolysaccharidosis type 4B; Mucopolysaccharidosis type IVB (Morquio); MPS IVB; MORQUIO SYNDROME B; Mucopolysaccharidosis type IV B; Mucopolysaccharidosis Type IVB. Identifiers: Orphanet 309310, Orphanet 582, MedGen C0086652, MONDO:0009660, OMIM 253010.

Allele frequency attached by ClinVar (database versions not stated): TOPMed below 0.00001; gnomAD 0.00001; gnomAD exomes 0.00005; ExAC 0.00007.
gnomAD v4.1: 43 of 1,614,072 alleles (0.0027%); highest among the groups gnomAD compares: South Asian, 0.046%; no homozygotes.

Submissions (2):

Labcorp Genetics (formerly Invitae), Labcorp
Classification: Likely benign for Mucopolysaccharidosis, MPS-IV-B; GM1 gangliosidosis. Last evaluated: 2026-01-20. Review status: criteria provided, single submitter. Criteria: Invitae Variant Classification Sherloc (09022015). Collection method: clinical testing. Allele origin: germline.

Mayo Clinic Laboratories, Mayo Clinic
Classification: Likely benign. Last evaluated: 2024-10-21. Review status: criteria provided, single submitter. Criteria: ACMG Guidelines, 2015. Collection method: clinical testing. Allele origin: germline. Observed: 1 variant allele.
Comment: BP4, BP7

NM_000404.4(GLB1):c.1815G>A (p.Gln605=)

Gene: GLB1 (galactosidase beta 1; minus strand). Cytogenetic location: 3p22.3.
Variant type: single nucleotide variant.
Coding change: c.1815G>A on transcript NM_000404.4 (MANE Select); coding-DNA position 1815, G replaced by A.
Protein change: p.Gln605=; no amino-acid change (glutamine 605 retained).
Molecular consequence: synonymous variant.
Genome position (GRCh38, 1-based): chr3:32,997,264, C>T on the plus strand (G>A on the coding strand, the complement: GLB1 is on the minus strand). VCF-style: chr3-32997264-C-T. GRCh37 (hg19) VCF-style: chr3-33038756-C-T.
Other names: p.Gln605=; c.1725G>A, p.Gln575= (NM_001079811.3); c.1422G>A, p.Gln474= (NM_001135602.3); c.1959G>A, p.Gln653= (NM_001317040.2).
Identifiers: ClinVar variation 1099083 (VCV001099083.8), dbSNP rs776773620, ClinGen allele CA2299291.